The following is an entry in ClinVar:

ClinVar aggregate classification (germline): Uncertain significance. Review status: criteria provided, multiple submitters, no conflicts (2 of 4 stars). 3 submissions from 3 submitters: Uncertain significance (3). Last evaluated 2025-08-24.

Conditions:
Neurodevelopmental disorder with central hypotonia and dysmorphic facies (NEDCHF). Identifiers: MedGen C5676944, MONDO:0859232, OMIM 619797.
Inborn genetic diseases. Identifiers: MedGen C0950123, MeSH D030342.

gnomAD v4.1: 48 of 1,613,674 alleles (0.003%); highest among the groups gnomAD compares: Non-Finnish European, 0.0027%; no homozygotes.

Submissions (3):

Labcorp Genetics (formerly Invitae), Labcorp
Classification: Uncertain significance. Last evaluated: 2025-08-24. Review status: criteria provided, single submitter. Criteria: Invitae Variant Classification Sherloc (09022015). Collection method: clinical testing. Allele origin: germline.
Comment: This sequence change replaces aspartic acid, which is acidic and polar, with asparagine, which is neutral and polar, at codon 977 of the HDAC4 protein (p.Asp977Asn). This variant is present in population databases (rs760702458, gnomAD 0.008%). This variant has not been reported in the literature in individuals affected with HDAC4-related conditions. ClinVar contains an entry for this variant (Variation ID: 3524420). Invitae Evidence Modeling of protein sequence and biophysical properties (such as structural, functional, and spatial information, amino acid conservation, physicochemical variation, residue mobility, and thermodynamic stability) indicates that this missense variant is not expected to disrupt HDAC4 protein function with a negative predictive value of 80%. In summary, the available evidence is currently insufficient to determine the role of this variant in disease. Therefore, it has been classified as a Variant of Uncertain Significance.

Revvity Omics, Revvity
Classification: Uncertain significance for Neurodevelopmental disorder with central hypotonia and dysmorphic facies. Last evaluated: 2025-05-28. Review status: criteria provided, single submitter. Criteria: ACMG Guidelines, 2015. Collection method: clinical testing. Allele origin: germline.

Ambry Genetics
Classification: Uncertain significance for Inborn genetic diseases. Last evaluated: 2024-08-20. Review status: criteria provided, single submitter. Criteria: Ambry Variant Classification Scheme 2023. Collection method: clinical testing. Allele origin: germline.

NM_001378414.1(HDAC4):c.2944G>A (p.Asp982Asn)

Gene: HDAC4 (histone deacetylase 4; minus strand). Cytogenetic location: 2q37.3.
Variant type: single nucleotide variant.
Coding change: c.2944G>A on transcript NM_001378414.1 (MANE Select); coding-DNA position 2944, G replaced by A.
Protein change: p.Asp982Asn; replaces aspartic acid 982 with asparagine.
Molecular consequence: missense variant.
Genome position (GRCh38, 1-based): chr2:239,066,781, C>T on the plus strand (G>A on the coding strand, the complement: HDAC4 is on the minus strand). VCF-style: chr2-239066781-C-T. GRCh37 (hg19) VCF-style: chr2-239988477-C-T.
Other names: c.2944G>A, p.Asp982Asn (NM_001378415.1); c.2929G>A, p.Asp977Asn (NM_001378416.1, NM_001378417.1, NM_006037.4); short protein forms D977N, D982N.
Identifiers: ClinVar variation 3524420 (VCV003524420.3).